The following is an entry in ClinVar:

ClinVar aggregate classification (germline): Uncertain significance. Review status: criteria provided, multiple submitters, no conflicts (2 of 4 stars). 3 submissions from 3 submitters: Uncertain significance (3). Last evaluated 2026-07-02.

Conditions:
Inborn genetic diseases. Identifiers: MedGen C0950123, MeSH D030342.

Allele frequency attached by ClinVar (database versions not stated): TOPMed 0.00001; ExAC 0.00003; 1000 Genomes Project 30x 0.00016; gnomAD exomes 0.00001; gnomAD 0.00003; 1000 Genomes Project 0.00020.
gnomAD v4.1: 11 of 1,610,416 alleles (0.00068%); highest among the groups gnomAD compares: African/African-American, 0.0093%; no homozygotes.

Submissions (3):

Ambry Genetics
Classification: Uncertain significance for Inborn genetic diseases. Last evaluated: 2026-07-02. Review status: criteria provided, single submitter. Criteria: Ambry Variant Classification Scheme 2023. Collection method: clinical testing. Allele origin: germline.
Comment: The c.366A>G (p.I122M) alteration is located in exon 4 (coding exon 4) of the PDHX gene. This alteration results from a A to G substitution at nucleotide position 366, causing the isoleucine (I) at amino acid position 122 to be replaced by a methionine (M). Based on data from gnomAD, the G allele has an overall frequency of 0.002% (5/251144) total alleles studied. The highest observed frequency was 0.016% (1/6130) of Other alleles. Based on insufficient or conflicting evidence, the clinical significance of this alteration remains unclear.

Women's Health and Genetics/Laboratory Corporation of America, LabCorp
Classification: Uncertain significance. Last evaluated: 2024-09-04. Review status: criteria provided, single submitter. Criteria: LabCorp Variant Classification Summary - May 2015. Collection method: clinical testing. Allele origin: germline.
Comment: Variant summary: PDHX c.366A>G (p.Ile122Met) results in a conservative amino acid change located in the Biotin/lipoyl attachment domain (IPR000089) of the encoded protein sequence. Four of five in-silico tools predict a benign effect of the variant on protein function. The variant allele was found at a frequency of 2e-05 in 251144 control chromosomes. The available data on variant occurrences in the general population are insufficient to allow any conclusion about variant significance. To our knowledge, no occurrence of c.366A>G in individuals affected with Pyruvate Dehydrogenase E3-Binding Protein Deficiency and no experimental evidence demonstrating its impact on protein function have been reported. ClinVar contains an entry for this variant (Variation ID: 1982172). Based on the evidence outlined above, the variant was classified as uncertain significance.

Labcorp Genetics (formerly Invitae), Labcorp
Classification: Uncertain significance. Last evaluated: 2023-11-27. Review status: criteria provided, single submitter. Criteria: Invitae Variant Classification Sherloc (09022015). Collection method: clinical testing. Allele origin: germline.
Comment: This sequence change replaces isoleucine, which is neutral and non-polar, with methionine, which is neutral and non-polar, at codon 122 of the PDHX protein (p.Ile122Met). This variant is present in population databases (rs567206438, gnomAD 0.009%). This variant has not been reported in the literature in individuals affected with PDHX-related conditions. ClinVar contains an entry for this variant (Variation ID: 1982172). Advanced modeling of protein sequence and biophysical properties (such as structural, functional, and spatial information, amino acid conservation, physicochemical variation, residue mobility, and thermodynamic stability) performed at Invitae indicates that this missense variant is not expected to disrupt PDHX protein function with a negative predictive value of 80%. In summary, the available evidence is currently insufficient to determine the role of this variant in disease. Therefore, it has been classified as a Variant of Uncertain Significance.

NM_003477.3(PDHX):c.366A>G (p.Ile122Met)

Gene: PDHX (pyruvate dehydrogenase complex component X; plus strand). Cytogenetic location: 11p13.
Variant type: single nucleotide variant.
Coding change: c.366A>G on transcript NM_003477.3 (MANE Select); coding-DNA position 366, A replaced by G.
Protein change: p.Ile122Met; replaces isoleucine 122 with methionine.
Molecular consequence: missense variant. On other transcripts: intron variant (1).
Genome position (GRCh38, 1-based): chr11:34,957,407, A>G. VCF-style: chr11-34957407-A-G. GRCh37 (hg19) VCF-style: chr11-34978954-A-G.
Other names: c.366A>G (NM_003477.2); c.186A>G, p.Ile62Met (NM_001135024.2); c.342+9801A>G (NM_001166158.2); short protein forms I62M, I122M.
Identifiers: ClinVar variation 1982172 (VCV001982172.6), dbSNP rs567206438, ClinGen allele CA5945851.